The following is an entry in ClinVar:

NM_015909.4(NBAS):c.2591dup (p.Leu864fs)

Gene: NBAS (NBAS subunit of NRZ tethering complex; minus strand). Cytogenetic location: 2p24.3.
Variant type: Duplication.
Coding change: c.2591dup on transcript NM_015909.4 (MANE Select); coding-DNA position 2591, one base duplicated (T; older notation c.2591dupT).
Protein change: p.Leu864fs; shifts the reading frame from leucine 864.
Molecular consequence: frameshift variant. On other transcripts: non-coding transcript variant (1).
Genome position (GRCh38, 1-based): chr2:15,417,699, A duplicated on the plus strand (T on the coding strand, the reverse complement: NBAS is on the minus strand); the first of 2 consecutive A bases (chr2:15,417,699-15,417,700); duplicating either gives the same sequence. VCF-style (leftmost placement, unchanged base first): chr2-15417698-C-CA. GRCh37 (hg19) VCF-style: chr2-15557822-C-CA.
Other names: short protein forms L864fs.
Identifiers: ClinVar variation 3584486 (VCV003584486.3).

ClinVar aggregate classification (germline): Pathogenic/Likely pathogenic. Review status: criteria provided, multiple submitters, no conflicts (2 of 4 stars). 2 submissions from 2 submitters: Pathogenic (1); Likely pathogenic (1). Last evaluated 2024-04-16.

Conditions:
Short stature-optic atrophy-Pelger-Huët anomaly syndrome. Also called: Short stature, optic nerve atrophy, and Pelger-Huet anomaly; Short stature-optic atrophy-Pelger-HuC+t anomaly syndrome. Identifiers: Orphanet 391677, MedGen C3541319, MONDO:0013889, OMIM 614800.
Infantile liver failure syndrome 2 (ILFS2). Identifiers: MedGen C3809651, MONDO:0014659, OMIM 616483.

Submissions (2):

Fulgent Genetics
Classification: Likely pathogenic for Short stature-optic atrophy-Pelger-Huët anomaly syndrome; Infantile liver failure syndrome 2. Last evaluated: 2024-04-16. Review status: criteria provided, single submitter. Criteria: ACMG Guidelines, 2015. Collection method: clinical testing. Allele origin: germline.

Labcorp Genetics (formerly Invitae), Labcorp
Classification: Pathogenic. Last evaluated: 2024-03-13. Review status: criteria provided, single submitter. Criteria: Invitae Variant Classification Sherloc (09022015). Collection method: clinical testing. Allele origin: germline.
Comment: This sequence change creates a premature translational stop signal (p.Leu864Phefs*20) in the NBAS gene. It is expected to result in an absent or disrupted protein product. Loss-of-function variants in NBAS are known to be pathogenic (PMID: 26073778, 26541327, 27789416, 28031453). This variant is not present in population databases (gnomAD no frequency). This variant has not been reported in the literature in individuals affected with NBAS-related conditions. For these reasons, this variant has been classified as Pathogenic.

Literature cited by the submitters: PubMed 26073778 (cited by Labcorp Genetics (formerly Invitae), Labcorp); PubMed 26541327 (cited by Labcorp Genetics (formerly Invitae), Labcorp); PubMed 27789416 (cited by Labcorp Genetics (formerly Invitae), Labcorp); PubMed 28031453 (cited by Labcorp Genetics (formerly Invitae), Labcorp).